The following is an entry in ClinVar:

NM_032119.4(ADGRV1):c.525G>C (p.Lys175Asn)

Gene: ADGRV1 (adhesion G protein-coupled receptor V1; plus strand). Cytogenetic location: 5q14.3.
Variant type: single nucleotide variant.
Coding change: c.525G>C on transcript NM_032119.4 (MANE Select); coding-DNA position 525, G replaced by C.
Protein change: p.Lys175Asn; replaces lysine 175 with asparagine.
Molecular consequence: missense variant. On other transcripts: non-coding transcript variant (1).
Genome position (GRCh38, 1-based): chr5:90,622,668, G>C. VCF-style: chr5-90622668-G-C. GRCh37 (hg19) VCF-style: chr5-89918485-G-C.
Other names: short protein forms K175N.
Identifiers: ClinVar variation 1007115 (VCV001007115.8), dbSNP rs1764242446, ClinGen allele CA360363403.

ClinVar aggregate classification (germline): Uncertain significance (1 of 4 stars; one submission).

gnomAD v4.1: 1 of 1,555,180 alleles (0.000064%); no homozygotes.

Submission:

Labcorp Genetics (formerly Invitae), Labcorp
Classification: Uncertain significance. Last evaluated: 2022-04-13. Review status: criteria provided, single submitter. Criteria: Invitae Variant Classification Sherloc (09022015). Collection method: clinical testing. Allele origin: germline.
Comment: Algorithms developed to predict the effect of missense changes on protein structure and function are either unavailable or do not agree on the potential impact of this missense change (SIFT: "Deleterious"; PolyPhen-2: "Probably Damaging"; Align-GVGD: "Class C0"). In summary, the available evidence is currently insufficient to determine the role of this variant in disease. Therefore, it has been classified as a Variant of Uncertain Significance. ClinVar contains an entry for this variant (Variation ID: 1007115). This variant has not been reported in the literature in individuals affected with ADGRV1-related conditions. This variant is not present in population databases (gnomAD no frequency). This sequence change replaces lysine, which is basic and polar, with asparagine, which is neutral and polar, at codon 175 of the ADGRV1 protein (p.Lys175Asn).